The following is an entry in ClinVar:

ClinVar aggregate classification (germline): Benign (0 of 4 stars; one submission).

Conditions:
MUC16-related disorder. Also called: MUC16-related condition.

Allele frequency attached by ClinVar (database versions not stated): ExAC 0.00165; gnomAD 0.00555; TOPMed 0.00637; ESP Exome Variant Server 0.00687; 1000 Genomes Project 0.00799; 1000 Genomes Project 30x 0.00843.

Submission:

PreventionGenetics, part of Exact Sciences
Classification: Benign for MUC16-related condition. Last evaluated: 2019-05-31. Review status: no assertion criteria provided. Collection method: clinical testing. Allele origin: germline.
Comment: This variant is classified as benign based on ACMG/AMP sequence variant interpretation guidelines (Richards et al. 2015 PMID: 25741868, with internal and published modifications).

NM_001401501.2(MUC16):c.12093A>T (p.Ile4031=)

Gene: MUC16 (mucin 16, cell surface associated; minus strand). Cytogenetic location: 19p13.2.
Variant type: single nucleotide variant.
Coding change: c.12093A>T on transcript NM_001401501.2 (MANE Select); coding-DNA position 12093, A replaced by T.
Protein change: p.Ile4031=; no amino-acid change (isoleucine 4031 retained).
Molecular consequence: synonymous variant.
Genome position (GRCh38, 1-based): chr19:8,964,797, T>A on the plus strand (A>T on the coding strand, the complement: MUC16 is on the minus strand). VCF-style: chr19-8964797-T-A. GRCh37 (hg19) VCF-style: chr19-9075473-T-A.
Other names: c.12519A>T, p.Ile4173= (NM_001414686.1); c.11973A>T, p.Ile3991= (NM_001414687.1, NM_024690.2).
Identifiers: ClinVar variation 3041553 (VCV003041553.2), dbSNP rs113458367, ClinGen allele CA9171131.